The following is an entry in ClinVar:

NM_017636.4(TRPM4):c.3062T>A (p.Val1021Glu)

Gene: TRPM4 (transient receptor potential cation channel subfamily M member 4; plus strand). Cytogenetic location: 19q13.33.
Variant type: single nucleotide variant.
Coding change: c.3062T>A on transcript NM_017636.4 (MANE Select); coding-DNA position 3062, T replaced by A.
Protein change: p.Val1021Glu; replaces valine 1021 with glutamic acid.
Molecular consequence: missense variant.
Genome position (GRCh38, 1-based): chr19:49,202,072, T>A. VCF-style: chr19-49202072-T-A. GRCh37 (hg19) VCF-style: chr19-49705329-T-A.
Other names: c.2627T>A, p.Val876Glu (NM_001195227.2); c.2717T>A, p.Val906Glu (NM_001321281.2); c.1454T>A, p.Val485Glu (NM_001321282.2); c.2540T>A, p.Val847Glu (NM_001321283.2); c.2000T>A, p.Val667Glu (NM_001321285.2); short protein forms V667E, V847E, V485E, V876E, V1021E, V906E.
Identifiers: ClinVar variation 1047141 (VCV001047141.10), dbSNP rs779059936, ClinGen allele CA9569761.

ClinVar aggregate classification (germline): Uncertain significance. Review status: criteria provided, multiple submitters, no conflicts (2 of 4 stars). 4 submissions from 4 submitters: Uncertain significance (4). Last evaluated 2025-11-17.

Conditions:
Erythrokeratodermia variabilis et progressiva 6. Identifiers: MedGen C5193144, MONDO:0032801, OMIM 618531.
Progressive familial heart block type IB (PFHB1B). Identifiers: Orphanet 871, MedGen C1970298, MONDO:0011474, OMIM 604559.
Cardiovascular phenotype. Identifiers: MedGen CN230736.

Allele frequency attached by ClinVar (database versions not stated): gnomAD 0.00001; gnomAD exomes 0.00001; TOPMed 0.00002.
gnomAD v4.1: 109 of 1,613,984 alleles (0.0068%); highest among the groups gnomAD compares: Non-Finnish European, 0.0091%; no homozygotes.

Submissions (4):

Labcorp Genetics (formerly Invitae), Labcorp
Classification: Uncertain significance for Progressive familial heart block type IB. Last evaluated: 2025-11-17. Review status: criteria provided, single submitter. Criteria: Invitae Variant Classification Sherloc (09022015). Collection method: clinical testing. Allele origin: germline.
Comment: This sequence change replaces valine, which is neutral and non-polar, with glutamic acid, which is acidic and polar, at codon 1021 of the TRPM4 protein (p.Val1021Glu). This variant is present in population databases (rs779059936, gnomAD 0.002%). This variant has not been reported in the literature in individuals affected with TRPM4-related conditions. ClinVar contains an entry for this variant (Variation ID: 1047141). An algorithm developed to predict the effect of missense changes on protein structure and function (PolyPhen-2) suggests that this variant is likely to be disruptive. In summary, the available evidence is currently insufficient to determine the role of this variant in disease. Therefore, it has been classified as a Variant of Uncertain Significance.

GeneDx
Classification: Uncertain significance. Last evaluated: 2024-11-25. Review status: criteria provided, single submitter. Criteria: GeneDx Variant Classification Process June 2021. Collection method: clinical testing. Allele origin: germline. Affected: yes.
Comment: Has not been previously published as pathogenic or benign to our knowledge; Not observed at significant frequency in large population cohorts (gnomAD); In silico analysis supports that this missense variant has a deleterious effect on protein structure/function

Ambry Genetics
Classification: Uncertain significance for Cardiovascular phenotype. Last evaluated: 2023-12-29. Review status: criteria provided, single submitter. Criteria: Ambry Variant Classification Scheme 2023. Collection method: clinical testing. Allele origin: germline.
Comment: The p.V1021E variant (also known as c.3062T>A), located in coding exon 20 of the TRPM4 gene, results from a T to A substitution at nucleotide position 3062. The valine at codon 1021 is replaced by glutamic acid, an amino acid with dissimilar properties. This amino acid position is not well conserved in available vertebrate species. In addition, the in silico prediction for this alteration is inconclusive. Since supporting evidence is limited at this time, the clinical significance of this alteration remains unclear.

Fulgent Genetics
Classification: Uncertain significance for Progressive familial heart block type IB; Erythrokeratodermia variabilis et progressiva 6. Last evaluated: 2021-11-22. Review status: criteria provided, single submitter. Criteria: ACMG Guidelines, 2015. Collection method: clinical testing. Allele origin: unknown.